The following is an entry in ClinVar:

ClinVar aggregate classification (germline): Uncertain significance. Review status: criteria provided, multiple submitters, no conflicts (2 of 4 stars). 2 submissions from 2 submitters: Uncertain significance (2). Last evaluated 2024-02-05.

Conditions:
Multiple endocrine neoplasia, type 1 (MEN1). Also called: MEN I; WERMER SYNDROME; Endocrine adenomatosis multiple; MEN 1; MEA I. Identifiers: Orphanet 652, MedGen C0025267, MeSH D018761, MONDO:0007540, OMIM 131100.
Hereditary cancer-predisposing syndrome. Also called: Neoplastic Syndromes, Hereditary; Tumor predisposition; Hereditary neoplastic syndrome; Hereditary Cancer Syndrome. Identifiers: Orphanet 140162, MedGen C0027672, MeSH D009386, MONDO:0015356.

Submissions (2):

Labcorp Genetics (formerly Invitae), Labcorp
Classification: Uncertain significance for Multiple endocrine neoplasia, type 1. Last evaluated: 2024-02-05. Review status: criteria provided, single submitter. Criteria: Invitae Variant Classification Sherloc (09022015). Collection method: clinical testing. Allele origin: germline.
Comment: This sequence change replaces threonine, which is neutral and polar, with serine, which is neutral and polar, at codon 346 of the MEN1 protein (p.Thr346Ser). This variant is not present in population databases (gnomAD no frequency). This variant has not been reported in the literature in individuals affected with MEN1-related conditions. ClinVar contains an entry for this variant (Variation ID: 1485401). Advanced modeling of protein sequence and biophysical properties (such as structural, functional, and spatial information, amino acid conservation, physicochemical variation, residue mobility, and thermodynamic stability) has been performed at Invitae for this missense variant, however the output from this modeling did not meet the statistical confidence thresholds required to predict the impact of this variant on MEN1 protein function. In summary, the available evidence is currently insufficient to determine the role of this variant in disease. Therefore, it has been classified as a Variant of Uncertain Significance.

Ambry Genetics
Classification: Uncertain significance for Hereditary cancer-predisposing syndrome. Last evaluated: 2023-02-24. Review status: criteria provided, single submitter. Criteria: Ambry Variant Classification Scheme 2023. Collection method: clinical testing. Allele origin: germline.
Comment: The p.T346S variant (also known as c.1036A>T), located in coding exon 6 of the MEN1 gene, results from an A to T substitution at nucleotide position 1036. The threonine at codon 346 is replaced by serine, an amino acid with similar properties. This amino acid position is conserved. In addition, the in silico prediction for this alteration is inconclusive. Since supporting evidence is limited at this time, the clinical significance of this alteration remains unclear.

NM_001370259.2(MEN1):c.1036A>T (p.Thr346Ser)

Gene: MEN1 (menin 1; minus strand). Cytogenetic location: 11q13.1.
Variant type: single nucleotide variant.
Coding change: c.1036A>T on transcript NM_001370259.2 (MANE Select); coding-DNA position 1036, A replaced by T.
Protein change: p.Thr346Ser; replaces threonine 346 with serine.
Molecular consequence: missense variant.
Genome position (GRCh38, 1-based): chr11:64,806,245, T>A on the plus strand (A>T on the coding strand, the complement: MEN1 is on the minus strand). VCF-style: chr11-64806245-T-A. GRCh37 (hg19) VCF-style: chr11-64573717-T-A.
Other names: c.1036A>T (NM_130799.2); c.1051A>T, p.Thr351Ser (NM_000244.4, NM_130800.3, NM_130801.3 and 3 more transcripts); c.1036A>T, p.Thr346Ser (NM_001370251.2, NM_001370260.2, NM_001370261.2 and 1 more transcripts); c.931A>T, p.Thr311Ser (NM_001370262.2, NM_001370263.2); short protein forms T311S, T346S, T351S.
Identifiers: ClinVar variation 1485401 (VCV001485401.9), dbSNP rs2136117914, ClinGen allele CA381183194.